The following is an entry in ClinVar:

NM_006949.4(STXBP2):c.1280A>C (p.Gln427Pro)

Gene: STXBP2 (syntaxin binding protein 2; plus strand). Cytogenetic location: 19p13.2.
Variant type: single nucleotide variant.
Coding change: c.1280A>C on transcript NM_006949.4 (MANE Select); coding-DNA position 1280, A replaced by C.
Protein change: p.Gln427Pro; replaces glutamine 427 with proline.
Molecular consequence: missense variant. On other transcripts: non-coding transcript variant (1).
Genome position (GRCh38, 1-based): chr19:7,645,230, A>C. VCF-style: chr19-7645230-A-C. GRCh37 (hg19) VCF-style: chr19-7710116-A-C.
Other names: c.1271A>C, p.Gln424Pro (NM_001127396.3); c.1313A>C, p.Gln438Pro (NM_001272034.2); short protein forms Q427P, Q438P, Q424P.
Identifiers: ClinVar variation 1478500 (VCV001478500.8), dbSNP rs2146228250, ClinGen allele CA403161351.

ClinVar aggregate classification (germline): Uncertain significance (1 of 4 stars; one submission).

Conditions:
Familial hemophagocytic lymphohistiocytosis 5. Also called: STXBP2-Related Familial Hemophagocytic Lymphohistiocytosis (STXBP2-fHLH). Identifiers: Orphanet 540, MedGen C2751293, MONDO:0013135, OMIM 613101.

Submission:

Labcorp Genetics (formerly Invitae), Labcorp
Classification: Uncertain significance for Familial hemophagocytic lymphohistiocytosis 5. Last evaluated: 2021-04-02. Review status: criteria provided, single submitter. Criteria: Invitae Variant Classification Sherloc (09022015). Collection method: clinical testing. Allele origin: germline.
Comment: This sequence change replaces glutamine with proline at codon 427 of the STXBP2 protein (p.Gln427Pro). The glutamine residue is highly conserved and there is a moderate physicochemical difference between glutamine and proline. This variant is not present in population databases (ExAC no frequency). This variant has not been reported in the literature in individuals with STXBP2-related conditions. Algorithms developed to predict the effect of missense changes on protein structure and function are either unavailable or do not agree on the potential impact of this missense change (SIFT: "Deleterious"; PolyPhen-2: "Probably Damaging"; Align-GVGD: "Class C0"). In summary, the available evidence is currently insufficient to determine the role of this variant in disease. Therefore, it has been classified as a Variant of Uncertain Significance.